The following is an entry in ClinVar:

NM_000051.4(ATM):c.3449G>C (p.Arg1150Thr)

Gene: ATM (ATM serine/threonine kinase; plus strand). Cytogenetic location: 11q22.3.
Variant type: single nucleotide variant.
Coding change: c.3449G>C on transcript NM_000051.4 (MANE Select); coding-DNA position 3449, G replaced by C.
Protein change: p.Arg1150Thr; replaces arginine 1150 with threonine.
Molecular consequence: missense variant.
Genome position (GRCh38, 1-based): chr11:108,281,041, G>C. VCF-style: chr11-108281041-G-C. GRCh37 (hg19) VCF-style: chr11-108151768-G-C.
Other names: p.R1150T:AGA>ACA; c.3449G>C, p.Arg1150Thr (NM_001351834.2); short protein forms R1150T.
Identifiers: ClinVar variation 127372 (VCV000127372.35), dbSNP rs555219189, ClinGen allele CA286809.

ClinVar aggregate classification (germline): Conflicting classifications of pathogenicity. Review status: criteria provided, conflicting classifications (1 of 4 stars). 12 submissions from 12 submitters: Uncertain significance (5); Likely benign (6). 1 of the submissions does not count toward it. Last evaluated 2026-09-14.

Conditions:
ATM-related disorder. Also called: ATM-related disorders; ATM-related condition.
ATM-related cancer predisposition. Also called: ATM-related cancer susceptibility. Identifiers: MedGen CN377759, MONDO:0700270.
Hereditary cancer-predisposing syndrome. Also called: Neoplastic Syndromes, Hereditary; Tumor predisposition; Hereditary Cancer Syndrome; Hereditary neoplastic syndrome. Identifiers: Orphanet 140162, MedGen C0027672, MeSH D009386, MONDO:0015356.
Familial cancer of breast. Also called: hereditary breast carcinoma; Hereditary breast cancer; BREAST CANCER, FAMILIAL. Identifiers: Orphanet 227535, MedGen C0346153, MONDO:0016419, OMIM 114480. Disease mechanism: loss of function.
Ataxia-telangiectasia syndrome (AT). Also called: LOUIS-BAR SYNDROME; Cerebello-oculocutaneous telangiectasia; Immunodeficiency with ataxia telangiectasia; Ataxia-telangiectasia, complementation group D; Ataxia-telangiectasia, complementation group E; Ataxia telangiectasia (A-T). Identifiers: Orphanet 100, MedGen C0004135, MONDO:0008840, OMIM 208900.

Allele frequency attached by ClinVar (database versions not stated): TOPMed 0.00001; gnomAD 0.00002; gnomAD exomes 0.00008 and 0.00018; ExAC 0.00019; 1000 Genomes Project 0.00060; 1000 Genomes Project 30x 0.00062.
gnomAD v4.1: 129 of 1,613,476 alleles (0.008%); highest among the groups gnomAD compares: South Asian, 0.13%; 3 homozygotes.

Submissions (12):

PreventionGenetics, part of Exact Sciences
Classification: Likely benign for ATM-related condition. Last evaluated: 2026-09-14. Review status: criteria provided, single submitter. Criteria: ACMG Guidelines, 2015. Collection method: clinical testing. Allele origin: germline.
Comment: This variant is classified as likely benign based on ACMG/AMP sequence variant interpretation guidelines (Richards et al. 2015 PMID: 25741868, with internal and published modifications).

Labcorp Genetics (formerly Invitae), Labcorp
Classification: Likely benign for Ataxia-telangiectasia syndrome. Last evaluated: 2026-02-03. Review status: criteria provided, single submitter. Criteria: Invitae Variant Classification Sherloc (09022015). Collection method: clinical testing. Allele origin: germline.

Women's Health and Genetics/Laboratory Corporation of America, LabCorp
Classification: Likely benign. Last evaluated: 2022-05-27. Review status: criteria provided, single submitter. Criteria: LabCorp Variant Classification Summary - May 2015. Collection method: clinical testing. Allele origin: germline.
Comment: Variant summary: ATM c.3449G>C (p.Arg1150Thr) results in a non-conservative amino acid change in the encoded protein sequence. Four of five in-silico tools predict a damaging effect of the variant on protein function. The variant allele was found at a frequency of 0.00018 in 251216 control chromosomes, predominantly at a frequency of 0.0015 within the South Asian subpopulation in the gnomAD database, including 1 homozygote. The observed variant frequency within South Asian control individuals in the gnomAD database is approximately 1.5 fold of the estimated maximal expected allele frequency for a pathogenic variant in ATM (0.001) causing an ATM-related Cancer phenotype (0.001), strongly suggesting that the variant is a benign polymorphism found primarily in populations of South Asian origin. c.3449G>C has been reported in the literature as a VUS in settings of multigene panel testing among individuals with a variety of cancers to include breast cancer (example, Singh_2018). These report(s) do not provide unequivocal conclusions about association of the variant with Ataxia Telangiectasia/ATM-related cancers. To our knowledge, no experimental evidence demonstrating an impact on protein function has been reported. Seven clinical diagnostic laboratories have submitted clinical-significance assessments for this variant to ClinVar after 2014 without evidence for independent evaluation. Multiple laboratories reported the variant with conflicting assessments (Likely benign, n=2; VUS, n=5). Based on the evidence outlined above, the variant was classified as likely benign.

Sema4
Classification: Likely benign for Hereditary cancer-predisposing syndrome. Last evaluated: 2021-12-05. Review status: criteria provided, single submitter. Criteria: Sema4 Curation Guidelines. Collection method: curation. Allele origin: germline.

Department of Pathology and Laboratory Medicine, Sinai Health System
Classification: Uncertain significance for ATM-related cancer predisposition. Last evaluated: 2021-08-03. Review status: criteria provided, single submitter. Criteria: ACMG Guidelines, 2015. Collection method: clinical testing. Allele origin: germline. Affected: yes.

Ambry Genetics
Classification: Likely benign for Hereditary cancer-predisposing syndrome. Last evaluated: 2021-04-20. Review status: criteria provided, single submitter. Criteria: Ambry Variant Classification Scheme 2023. Collection method: clinical testing. Allele origin: germline.

GeneDx
Classification: Uncertain significance. Last evaluated: 2021-04-08. Review status: criteria provided, single submitter. Criteria: GeneDx Variant Classification Process June 2021. Collection method: clinical testing. Allele origin: germline. Affected: yes.
Comment: In silico analysis supports that this missense variant has a deleterious effect on protein structure/function; Observed in individuals with breast or ovarian cancer (Singh 2018); This variant is associated with the following publications: (PMID: 29470806, 31919090)

Color Diagnostics, LLC DBA Color Health
Classification: Likely benign for Hereditary cancer-predisposing syndrome. Last evaluated: 2020-10-20. Review status: criteria provided, single submitter. Criteria: ACMG Guidelines, 2015. Collection method: clinical testing. Allele origin: germline.

Mayo Clinic Laboratories, Mayo Clinic
Classification: Uncertain significance. Last evaluated: 2020-03-10. Review status: criteria provided, single submitter. Criteria: ACMG Guidelines, 2015. Collection method: clinical testing. Allele origin: germline. Observed: 1 variant allele.

Genetic Services Laboratory, University of Chicago
Classification: Uncertain significance. Last evaluated: 2018-03-02. Review status: criteria provided, single submitter. Criteria: ACMG Guidelines, 2015. Collection method: clinical testing. Allele origin: germline. Affected: no.

Neuberg Centre For Genomic Medicine, NCGM
Classification: Uncertain significance for Familial cancer of breast. Review status: criteria provided, single submitter. Criteria: ACMG Guidelines, 2015. Collection method: clinical testing. Allele origin: germline. Inheritance: Autosomal dominant inheritance. Affected: yes.
Comment: The missense variant in c.3449G>C (p.Arg1150Thr) in ATM gene has not been reported previously as a pathogenic variant nor as a benign variant, to our knowledge. The p.Arg1150Thr variant is is reported with the allele frequency of 0.01831% in gnomAD and is novel (not in any individuals) in 1000 Genomes. This variant has been reported to the ClinVar database as conflicting - uncertain significance/ likely benign. The amino acid Arg at position 1150 is changed to a Thr changing protein sequence and it might alter its composition and physico-chemical properties. The variant is predicted to be damaging by both SIFT and PolyPhen2. The residue is conserved across species. The amino acid change p.Arg1150Thr in ATM is predicted as conserved by GERP++ and PhyloP across 100 vertebrates. For these reasons, this variant has been classified as Uncertain Significance.

Natera, Inc.
Classification: Uncertain significance for Ataxia-telangiectasia. Last evaluated: 2020-09-16. Review status: no assertion criteria provided. Collection method: clinical testing. Allele origin: germline. Not counted in ClinVar's aggregate classification.

Literature cited by the submitters: PubMed 29470806 (cited by 4 submitters); PubMed 33552952 (cited by Sema4); PubMed 33471991 (cited by Sema4 and Ambry Genetics); PubMed 28580595 (cited by Ambry Genetics); PubMed 31742824 (cited by Ambry Genetics).